The following is an entry in ClinVar:

ClinVar aggregate classification (germline): Conflicting classifications of pathogenicity. Review status: criteria provided, conflicting classifications (1 of 4 stars). 2 submissions from 2 submitters: Likely pathogenic (1); Uncertain significance (1). Last evaluated 2021-09-14.

Conditions:
Tumor predisposition syndrome 3 (TPDS3). Also called: Melanoma, cutaneous malignant, susceptibility to, 10; LONG TELOMERE SYNDROME, POT1-RELATED; POT1 Tumor Predisposition; Glioma susceptibility 9. Identifiers: Orphanet 618, MedGen C4014476, MONDO:0014368, OMIM 615848.
Hereditary cancer-predisposing syndrome. Also called: Tumor predisposition; Neoplastic Syndromes, Hereditary; Hereditary Cancer Syndrome; Hereditary neoplastic syndrome. Identifiers: Orphanet 140162, MedGen C0027672, MeSH D009386, MONDO:0015356.

Allele frequency attached by ClinVar (database versions not stated): gnomAD exomes below 0.00001.
gnomAD v4.1: 3 of 1,596,960 alleles (0.00019%); highest among the groups gnomAD compares: South Asian, 0.0023%; no homozygotes.

Submissions (2):

Labcorp Genetics (formerly Invitae), Labcorp
Classification: Likely pathogenic for Tumor predisposition syndrome 3. Last evaluated: 2021-09-14. Review status: criteria provided, single submitter. Criteria: Invitae Variant Classification Sherloc (09022015). Collection method: clinical testing. Allele origin: germline.
Comment: This variant has not been reported in the literature in individuals affected with POT1-related conditions. Algorithms developed to predict the effect of sequence changes on RNA splicing suggest that this variant may disrupt the consensus splice site. In summary, the currently available evidence indicates that the variant is pathogenic, but additional data are needed to prove that conclusively. Therefore, this variant has been classified as Likely Pathogenic. This variant is not present in population databases (ExAC no frequency). This sequence change affects a donor splice site in intron 9 of the POT1 gene. It is expected to disrupt RNA splicing. Variants that disrupt the donor or acceptor splice site typically lead to a loss of protein function (PMID: 16199547), and loss-of-function variants in POT1 are known to be pathogenic (PMID: 32155570).

Ambry Genetics
Classification: Uncertain significance for Hereditary cancer-predisposing syndrome. Last evaluated: 2021-05-13. Review status: criteria provided, single submitter. Criteria: Ambry Variant Classification Scheme 2023. Collection method: clinical testing. Allele origin: germline.
Comment: The c.702+1G>A intronic variant results from a G to A substitution one nucleotide after coding exon 5 of the POT1 gene. Alterations that disrupt the canonical splice site are expected to cause aberrant splicing. In silico splice site analysis predicts that this alteration will weaken the native splice donor site. The resulting transcript is predicted to be in-frame and is not expected to trigger nonsense-mediated mRNA decay; however, direct evidence is unavailable. The exact functional effect of the missing amino acids is unknown. This nucleotide position is highly conserved in available vertebrate species. Since supporting evidence is limited at this time, the clinical significance of this alteration remains unclear.

Literature cited by the submitters: PubMed 16199547 (cited by Labcorp Genetics (formerly Invitae), Labcorp); PubMed 32155570 (cited by Labcorp Genetics (formerly Invitae), Labcorp).

NM_015450.3(POT1):c.702+1G>A

Gene: POT1 (protection of telomeres 1; minus strand). Cytogenetic location: 7q31.33.
Variant type: single nucleotide variant.
Coding change: c.702+1G>A on transcript NM_015450.3 (MANE Select); the canonical splice donor site of the intron after coding-DNA position 702, G replaced by A.
Molecular consequence: splice donor variant.
Genome position (GRCh38, 1-based): chr7:124,858,956, C>T on the plus strand (G>A on the coding strand, the complement: POT1 is on the minus strand). VCF-style: chr7-124858956-C-T. GRCh37 (hg19) VCF-style: chr7-124499010-C-T.
Other names: c.309+1G>A (NM_001042594.2).
Identifiers: ClinVar variation 1477030 (VCV001477030.8), dbSNP rs2116525031, ClinGen allele CA369055955.